The following is an entry in ClinVar:

ClinVar aggregate classification (germline): Uncertain significance (1 of 4 stars; one submission).

Conditions:
3-methylcrotonyl-CoA carboxylase 2 deficiency. Also called: METHYLCROTONYLGLYCINURIA, TYPE II; 3 alpha methylcrotonyl-CoA carboxylase 2 deficiency; 3 alpha methylcrotonylglycinuria 2; MCC 2 deficiency; Methylcrotonylglycinuria type 2. Identifiers: Orphanet 6, MedGen C1859499, MONDO:0008862, OMIM 210210.

Allele frequency attached by ClinVar (database versions not stated): TOPMed below 0.00001; gnomAD 0.00001.
gnomAD v4.1: 2 of 1,614,056 alleles (0.00012%); highest among the groups gnomAD compares: Admixed American, 0.0017%; no homozygotes.

Submission:

Labcorp Genetics (formerly Invitae), Labcorp
Classification: Uncertain significance for 3-methylcrotonyl-CoA carboxylase 2 deficiency. Last evaluated: 2023-07-16. Review status: criteria provided, single submitter. Criteria: Invitae Variant Classification Sherloc (09022015). Collection method: clinical testing. Allele origin: germline.
Comment: ClinVar contains an entry for this variant (Variation ID: 840922). This variant has not been reported in the literature in individuals affected with MCCC2-related conditions. This variant is not present in population databases (gnomAD no frequency). This sequence change replaces threonine, which is neutral and polar, with asparagine, which is neutral and polar, at codon 438 of the MCCC2 protein (p.Thr438Asn). Advanced modeling of protein sequence and biophysical properties (such as structural, functional, and spatial information, amino acid conservation, physicochemical variation, residue mobility, and thermodynamic stability) performed at Invitae indicates that this missense variant is expected to disrupt MCCC2 protein function. In summary, the available evidence is currently insufficient to determine the role of this variant in disease. Therefore, it has been classified as a Variant of Uncertain Significance.

NM_022132.5(MCCC2):c.1313C>A (p.Thr438Asn)

Gene: MCCC2 (methylcrotonyl-CoA carboxylase subunit 2; plus strand). Cytogenetic location: 5q13.2.
Variant type: single nucleotide variant.
Coding change: c.1313C>A on transcript NM_022132.5 (MANE Select); coding-DNA position 1313, C replaced by A.
Protein change: p.Thr438Asn; replaces threonine 438 with asparagine.
Molecular consequence: missense variant.
Genome position (GRCh38, 1-based): chr5:71,649,193, C>A. VCF-style: chr5-71649193-C-A. GRCh37 (hg19) VCF-style: chr5-70945020-C-A.
Other names: c.1199C>A, p.Thr400Asn (NM_001363147.1); short protein forms T400N, T438N.
Identifiers: ClinVar variation 840922 (VCV000840922.9), dbSNP rs779770835, ClinGen allele CA359997652.